The following is an entry in ClinVar:

NM_000143.4(FH):c.354T>C (p.Asn118=)

Gene: FH (fumarate hydratase; minus strand). Cytogenetic location: 1q43.
Variant type: single nucleotide variant.
Coding change: c.354T>C on transcript NM_000143.4 (MANE Select); coding-DNA position 354, T replaced by C.
Protein change: p.Asn118=; no amino-acid change (asparagine 118 retained).
Molecular consequence: synonymous variant.
Genome position (GRCh38, 1-based): chr1:241,513,627, A>G on the plus strand (T>C on the coding strand, the complement: FH is on the minus strand). VCF-style: chr1-241513627-A-G. GRCh37 (hg19) VCF-style: chr1-241676927-A-G.
Identifiers: ClinVar variation 701698 (VCV000701698.11), dbSNP rs1465574376, ClinGen allele CA424076440.

ClinVar aggregate classification (germline): Benign/Likely benign. Review status: criteria provided, multiple submitters, no conflicts (2 of 4 stars). 3 submissions from 3 submitters: Benign (1); Likely benign (2). Last evaluated 2025-05-28.

Conditions:
Hereditary cancer-predisposing syndrome. Also called: Neoplastic Syndromes, Hereditary; Hereditary Cancer Syndrome; Hereditary neoplastic syndrome; Tumor predisposition. Identifiers: Orphanet 140162, MedGen C0027672, MeSH D009386, MONDO:0015356.
Hereditary leiomyomatosis and renal cell cancer. Also called: Familial leiomyomatosis; Reed syndrome; Multiple cutaneous and uterine leiomyomatosis; Cutaneous leiomyomata with uterine leiomyomata; Leiomyoma, hereditary multiple, of skin; Multiple cutaneous and uterine leiomyomata. Identifiers: Orphanet 523, MedGen C1708350, MONDO:0007888, OMIM 150800, HP:0007437. Disease mechanism: loss of function.

Allele frequency attached by ClinVar (database versions not stated): TOPMed below 0.00001; gnomAD 0.00001.
gnomAD v4.1: 1 of 1,613,890 alleles (0.000062%); highest among the groups gnomAD compares: Non-Finnish European, 0.000085%; no homozygotes.

Submissions (3):

Labcorp Genetics (formerly Invitae), Labcorp
Classification: Likely benign. Last evaluated: 2025-05-28. Review status: criteria provided, single submitter. Criteria: Invitae Variant Classification Sherloc (09022015). Collection method: clinical testing. Allele origin: germline.

Myriad Genetics, Inc.
Classification: Benign for Hereditary leiomyomatosis and renal cell cancer. Last evaluated: 2024-10-17. Review status: criteria provided, single submitter. Criteria: Myriad Autosomal Dominant, Autosomal Recessive and X-Linked Classification Criteria (2023). Collection method: clinical testing. Allele origin: unknown.
Comment: This variant is considered benign. This variant is a silent/synonymous amino acid change and it is not expected to impact splicing.

Ambry Genetics
Classification: Likely benign for Hereditary cancer-predisposing syndrome. Last evaluated: 2022-08-11. Review status: criteria provided, single submitter. Criteria: Ambry Variant Classification Scheme 2023. Collection method: clinical testing. Allele origin: germline.